The following is an entry in ClinVar:

NM_032638.5(GATA2):c.481C>T (p.Pro161Ser)

Gene: GATA2 (GATA binding protein 2; minus strand). Cytogenetic location: 3q21.3.
Variant type: single nucleotide variant.
Coding change: c.481C>T on transcript NM_032638.5 (MANE Select); coding-DNA position 481, C replaced by T.
Protein change: p.Pro161Ser; replaces proline 161 with serine.
Molecular consequence: missense variant.
Genome position (GRCh38, 1-based): chr3:128,486,117, G>A on the plus strand (C>T on the coding strand, the complement: GATA2 is on the minus strand). VCF-style: chr3-128486117-G-A. GRCh37 (hg19) VCF-style: chr3-128204960-G-A.
Other names: c.481C>T, p.Pro161Ser (NM_001145661.2, NM_001145662.1); short protein forms P161S.
Identifiers: ClinVar variation 568008 (VCV000568008.11), dbSNP rs34799090, ClinGen allele CA354406669.
Genomic context (GRCh38, chr3:128,486,117, plus strand): 5'-CTTCTTTGGGTGGCGTGGGTGGGAAGCCGAAAAGGTGGGAGCCAGAGTGGGCTGCTGTAG[G>A]GGTGAGGGAGGCCACTGAGCTCCCGCTGCCTCCCCCGCTCCCACCCCCAGCCCCTGGGTA-3'
Protein context (NP_116027.2, residues 151-171): GSGSSVASLT[Pro161Ser]TAAHSGSHLF

ClinVar aggregate classification (germline): Uncertain significance. Review status: criteria provided, multiple submitters, no conflicts (2 of 4 stars). 2 submissions from 2 submitters: Uncertain significance (2). Last evaluated 2025-01-15.

Conditions:
Inborn genetic diseases. Identifiers: MedGen C0950123, MeSH D030342.
Deafness-lymphedema-leukemia syndrome. Also called: Emberger syndrome; Lymphedema, primary, with myelodysplasia. Identifiers: Orphanet 3226, MedGen C3279664, MONDO:0013540, OMIM 614038.
Monocytopenia with susceptibility to infections. Also called: Dendritic cell, monocyte, B lymphocyte, and natural killer lymphocyte deficiency; GATA2 DEFICIENCY; IMMUNODEFICIENCY 21; MONOCYTOPENIA AND MYCOBACTERIAL INFECTION SYNDROME; MONOCYTOPENIA WITH SUSCEPTIBILITY TO MYCOBACTERIAL, FUNGAL, AND PAPILLOMAVIRUS INFECTIONS AND MYELODYSPLASIA; COMBINED IMMUNODEFICIENCY WITH SUSCEPTIBILITY TO MYCOBACTERIAL, VIRAL, AND FUNGAL INFECTIONS. Identifiers: Orphanet 228423, MedGen C3280030, MONDO:0013607, OMIM 614172.

Submissions (2):

Ambry Genetics
Classification: Uncertain significance for Inborn genetic diseases. Last evaluated: 2025-01-15. Review status: criteria provided, single submitter. Criteria: Ambry Variant Classification Scheme 2023. Collection method: clinical testing. Allele origin: germline.
Comment: The p.P161S variant (also known as c.481C>T), located in coding exon 2 of the GATA2 gene, results from a C to T substitution at nucleotide position 481. The proline at codon 161 is replaced by serine, an amino acid with similar properties. This amino acid position is highly conserved in available vertebrate species. In addition, the in silico prediction for this alteration is inconclusive. Based on the available evidence, the clinical significance of this variant remains unclear.

Labcorp Genetics (formerly Invitae), Labcorp
Classification: Uncertain significance for Monocytopenia with susceptibility to infections; Deafness-lymphedema-leukemia syndrome. Last evaluated: 2023-03-18. Review status: criteria provided, single submitter. Criteria: Invitae Variant Classification Sherloc (09022015). Collection method: clinical testing. Allele origin: germline.
Comment: This variant is not present in population databases (gnomAD no frequency). This sequence change replaces proline, which is neutral and non-polar, with serine, which is neutral and polar, at codon 161 of the GATA2 protein (p.Pro161Ser). This variant has not been reported in the literature in individuals affected with GATA2-related conditions. ClinVar contains an entry for this variant (Variation ID: 568008). Advanced modeling of protein sequence and biophysical properties (such as structural, functional, and spatial information, amino acid conservation, physicochemical variation, residue mobility, and thermodynamic stability) performed at Invitae indicates that this missense variant is not expected to disrupt GATA2 protein function. In summary, the available evidence is currently insufficient to determine the role of this variant in disease. Therefore, it has been classified as a Variant of Uncertain Significance.